The following is an entry in ClinVar:

ClinVar aggregate classification (germline): Likely pathogenic. Review status: criteria provided, multiple submitters, no conflicts (2 of 4 stars). 2 submissions from 2 submitters: Likely pathogenic (2). Last evaluated 2026-01-19.

Conditions:
Autosomal recessive hypophosphatemic bone disease (HHRH). Also called: Hypophosphatemic rickets with hypercalciuria; HYPERCALCIURIC RICKETS. Identifiers: Orphanet 157215, MedGen C1853271, MONDO:0009431, OMIM 241530.

Allele frequency attached by ClinVar (database versions not stated): gnomAD exomes 0.00001; TOPMed 0.00002; gnomAD 0.00003.
gnomAD v4.1: 14 of 1,611,364 alleles (0.00087%); highest among the groups gnomAD compares: African/African-American, 0.0013%; no homozygotes.

Submissions (2):

Labcorp Genetics (formerly Invitae), Labcorp
Classification: Likely pathogenic. Last evaluated: 2026-01-19. Review status: criteria provided, single submitter. Criteria: Invitae Variant Classification Sherloc (09022015). Collection method: clinical testing. Allele origin: germline.
Comment: This sequence change affects an acceptor splice site in intron 5 of the SLC34A3 gene. It is expected to disrupt RNA splicing. Variants that disrupt the donor or acceptor splice site typically lead to a loss of protein function (PMID: 16199547), and loss-of-function variants in SLC34A3 are known to be pathogenic (PMID: 16358214, 16358215, 22159077). This variant is present in population databases (no rsID available, gnomAD 0.007%). This variant has not been reported in the literature in individuals affected with SLC34A3-related conditions. ClinVar contains an entry for this variant (Variation ID: 1346816). Algorithms developed to predict the effect of sequence changes on RNA splicing suggest that this variant may disrupt the consensus splice site. In summary, the currently available evidence indicates that the variant is pathogenic, but additional data are needed to prove that conclusively. Therefore, this variant has been classified as Likely Pathogenic.

Fulgent Genetics
Classification: Likely pathogenic for Autosomal recessive hypophosphatemic bone disease. Last evaluated: 2022-01-07. Review status: criteria provided, single submitter. Criteria: ACMG Guidelines, 2015. Collection method: clinical testing. Allele origin: unknown.

Literature cited by the submitters: PubMed 16199547 (cited by Labcorp Genetics (formerly Invitae), Labcorp); PubMed 16358214 (cited by Labcorp Genetics (formerly Invitae), Labcorp); PubMed 16358215 (cited by Labcorp Genetics (formerly Invitae), Labcorp); PubMed 22159077 (cited by Labcorp Genetics (formerly Invitae), Labcorp).

NM_001177316.2(SLC34A3):c.449-1G>C

Gene: SLC34A3 (solute carrier family 34 member 3; plus strand). Cytogenetic location: 9q34.3.
Variant type: single nucleotide variant.
Coding change: c.449-1G>C on transcript NM_001177316.2 (MANE Select); the canonical splice acceptor site of the intron before coding-DNA position 449, G replaced by C.
Molecular consequence: splice acceptor variant.
Genome position (GRCh38, 1-based): chr9:137,233,003, G>C. VCF-style: chr9-137233003-G-C. GRCh37 (hg19) VCF-style: chr9-140127455-G-C.
Other names: c.449-1G>C (NM_001177317.2, NM_080877.3).
Identifiers: ClinVar variation 1346816 (VCV001346816.7), dbSNP rs1345816189, ClinGen allele CA375729677.
Genomic context (GRCh38, chr9:137,233,003, plus strand): 5'-CTCCCCGGGTGGTGGGGGGGGCAGGGTGGGCCGCAGGCTGACTCAGCCCCCCCACCAGCA[G>C]TGCTGACTGTCCGGGTGTCTGTGCCCATCATCATGGGTGTCAACGTAGGCACATCCATCA-3'